The following is an entry in ClinVar:

ClinVar aggregate classification (germline): Pathogenic/Likely pathogenic. Review status: criteria provided, multiple submitters, no conflicts (2 of 4 stars). 4 submissions from 4 submitters: Pathogenic (3); Likely pathogenic (1). Last evaluated 2024-01-17.

Conditions:
Ataxia-telangiectasia syndrome (AT). Also called: Ataxia-telangiectasia, complementation group D; AT, COMPLEMENTATION GROUP C; ATAXIA-TELANGIECTASIA, COMPLEMENTATION GROUP A; ATAXIA-TELANGIECTASIA, FRESNO VARIANT; Ataxia-telangiectasia; LOUIS-BAR SYNDROME. Identifiers: Orphanet 100, MedGen C0004135, MONDO:0008840, OMIM 208900.
Familial cancer of breast. Also called: BREAST CANCER, FAMILIAL; hereditary breast carcinoma; Hereditary breast cancer. Identifiers: Orphanet 227535, MedGen C0346153, MONDO:0016419, OMIM 114480. Disease mechanism: loss of function.
Hereditary cancer-predisposing syndrome. Also called: Neoplastic Syndromes, Hereditary; Tumor predisposition; Hereditary neoplastic syndrome; Hereditary Cancer Syndrome. Identifiers: Orphanet 140162, MedGen C0027672, MeSH D009386, MONDO:0015356.

Submissions (4):

Myriad Genetics, Inc.
Classification: Pathogenic for Familial cancer of breast. Last evaluated: 2024-01-17. Review status: criteria provided, single submitter. Criteria: Myriad Autosomal Dominant, Autosomal Recessive and X-Linked Classification Criteria (2023). Collection method: clinical testing. Allele origin: unknown.
Comment: This variant is considered pathogenic. This variant creates a termination codon and is predicted to result in premature protein truncation.

Baylor Genetics
Classification: Likely pathogenic for Familial cancer of breast. Last evaluated: 2023-03-30. Review status: criteria provided, single submitter. Criteria: ACMG Guidelines, 2015. Collection method: clinical testing. Allele origin: unknown.

Labcorp Genetics (formerly Invitae), Labcorp
Classification: Pathogenic for Ataxia-telangiectasia syndrome. Last evaluated: 2023-02-01. Review status: criteria provided, single submitter. Criteria: Invitae Variant Classification Sherloc (09022015). Collection method: clinical testing. Allele origin: germline.
Comment: For these reasons, this variant has been classified as Pathogenic. ClinVar contains an entry for this variant (Variation ID: 1791095). This premature translational stop signal has been observed in individual(s) with pancreatic cancer (PMID: 29945567). This variant is not present in population databases (gnomAD no frequency). This sequence change creates a premature translational stop signal (p.Ser809*) in the ATM gene. It is expected to result in an absent or disrupted protein product. Loss-of-function variants in ATM are known to be pathogenic (PMID: 23807571, 25614872).

Ambry Genetics
Classification: Pathogenic for Hereditary cancer-predisposing syndrome. Last evaluated: 2022-05-14. Review status: criteria provided, single submitter. Criteria: Ambry Variant Classification Scheme 2023. Collection method: clinical testing. Allele origin: germline.
Comment: The p.S809* pathogenic mutation (also known as c.2426C>G), located in coding exon 15 of the ATM gene, results from a C to G substitution at nucleotide position 2426. This changes the amino acid from a serine to a stop codon within coding exon 15. This variant is considered to be rare based on population cohorts in the Genome Aggregation Database (gnomAD). This alteration is expected to result in loss of function by premature protein truncation or nonsense-mediated mRNA decay. As such, this alteration is interpreted as a disease-causing mutation.

Literature cited by the submitters: PubMed 29945567 (cited by Labcorp Genetics (formerly Invitae), Labcorp); PubMed 23807571 (cited by Labcorp Genetics (formerly Invitae), Labcorp); PubMed 25614872 (cited by Labcorp Genetics (formerly Invitae), Labcorp).

NM_000051.4(ATM):c.2426C>G (p.Ser809Ter)

Gene: ATM (ATM serine/threonine kinase; plus strand). Cytogenetic location: 11q22.3.
Variant type: single nucleotide variant.
Coding change: c.2426C>G on transcript NM_000051.4 (MANE Select); coding-DNA position 2426, C replaced by G.
Protein change: p.Ser809Ter; replaces serine 809 with a stop codon.
Molecular consequence: nonsense.
Genome position (GRCh38, 1-based): chr11:108,259,035, C>G. VCF-style: chr11-108259035-C-G. GRCh37 (hg19) VCF-style: chr11-108129762-C-G.
Other names: c.2426C>G, p.Ser809Ter (NM_001351834.2); short protein forms S809*.
Identifiers: ClinVar variation 1791095 (VCV001791095.6), dbSNP rs730881348, ClinGen allele CA382541262.